The following is an entry in ClinVar:

ClinVar aggregate classification (germline): Uncertain significance. Review status: criteria provided, multiple submitters, no conflicts (2 of 4 stars). 3 submissions from 3 submitters: Uncertain significance (3). Last evaluated 2024-04-29.

Conditions:
Epidermolysis bullosa simplex 3, localized or generalized intermediate, with BP230 deficiency (EBS3). Also called: Epidermolysis bullosa simplex due to BP230 deficiency; Epidermolysis bullosa simplex, autosomal recessive 2. Identifiers: Orphanet 412181, MedGen C3809470, MONDO:0014180, OMIM 615425.
Hereditary sensory and autonomic neuropathy type 6. Also called: Neuropathy, hereditary sensory and autonomic, type VI; HSAN VI. Identifiers: Orphanet 314381, MedGen C3539003, MONDO:0013839, OMIM 614653.
Inborn genetic diseases. Identifiers: MedGen C0950123, MeSH D030342.

Allele frequency attached by ClinVar (database versions not stated): gnomAD exomes 0.00002 and 0.00004; ExAC 0.00005; ESP Exome Variant Server 0.00008; gnomAD 0.00009 and 0.00010; TOPMed 0.00012; 1000 Genomes Project 0.00020; 1000 Genomes Project 30x 0.00047.
gnomAD v4.1: 42 of 1,613,412 alleles (0.0026%); highest among the groups gnomAD compares: African/African-American, 0.019%; no homozygotes.

Submissions (3):

GeneDx
Classification: Uncertain significance. Last evaluated: 2024-04-29. Review status: criteria provided, single submitter. Criteria: GeneDx Variant Classification Process June 2021. Collection method: clinical testing. Allele origin: germline. Affected: yes.
Comment: In silico analysis supports that this missense variant has a deleterious effect on protein structure/function; Has not been previously published as pathogenic or benign to our knowledge

Labcorp Genetics (formerly Invitae), Labcorp
Classification: Uncertain significance for Epidermolysis bullosa simplex 3, localized or generalized intermediate, with BP230 deficiency; Hereditary sensory and autonomic neuropathy type 6. Last evaluated: 2022-10-17. Review status: criteria provided, single submitter. Criteria: Invitae Variant Classification Sherloc (09022015). Collection method: clinical testing. Allele origin: germline.
Comment: This sequence change replaces arginine, which is basic and polar, with glutamine, which is neutral and polar, at codon 1061 of the DST protein (p.Arg1061Gln). This variant is present in population databases (rs369264011, gnomAD 0.02%). This variant has not been reported in the literature in individuals affected with DST-related conditions. ClinVar contains an entry for this variant (Variation ID: 951049). Algorithms developed to predict the effect of missense changes on protein structure and function (SIFT, PolyPhen-2, Align-GVGD) all suggest that this variant is likely to be disruptive. In summary, the available evidence is currently insufficient to determine the role of this variant in disease. Therefore, it has been classified as a Variant of Uncertain Significance.

Ambry Genetics
Classification: Uncertain significance for Inborn genetic diseases. Last evaluated: 2022-01-11. Review status: criteria provided, single submitter. Criteria: Ambry Variant Classification Scheme 2023. Collection method: clinical testing. Allele origin: germline.
Comment: The p.R1565Q variant (also known as c.4694G>A), located in coding exon 34 of the DST gene, results from a G to A substitution at nucleotide position 4694. The arginine at codon 1565 is replaced by glutamine, an amino acid with highly similar properties. This amino acid position is highly conserved in available vertebrate species. In addition, the in silico prediction for this alteration is inconclusive. Since supporting evidence is limited at this time, the clinical significance of this alteration remains unclear.

NM_001374736.1(DST):c.4793G>A (p.Arg1598Gln)

Gene: DST (dystonin; minus strand). Cytogenetic location: 6p12.1.
Variant type: single nucleotide variant.
Coding change: c.4793G>A on transcript NM_001374736.1 (MANE Select); coding-DNA position 4793, G replaced by A.
Protein change: p.Arg1598Gln; replaces arginine 1598 with glutamine.
Molecular consequence: missense variant.
Genome position (GRCh38, 1-based): chr6:56,625,194, C>T on the plus strand (G>A on the coding strand, the complement: DST is on the minus strand). VCF-style: chr6-56625194-C-T. GRCh37 (hg19) VCF-style: chr6-56489992-C-T.
Other names: c.4694G>A, p.Arg1565Gln (NM_001144769.5); c.4280G>A, p.Arg1427Gln (NM_001144770.2); c.4793G>A, p.Arg1598Gln (NM_001374722.1); c.4160G>A, p.Arg1387Gln (NM_001374729.1, NM_001374730.1, NM_001386100.1 and 1 more transcripts); c.4820G>A, p.Arg1607Gln (NM_001374734.1); c.3182G>A, p.Arg1061Gln (NM_001723.7, NM_015548.5); short protein forms R1061Q, R1387Q, R1427Q, R1598Q, R1565Q, R1607Q.
Identifiers: ClinVar variation 951049 (VCV000951049.9), dbSNP rs369264011, ClinGen allele CA3870805.
Genomic context (GRCh38, chr6:56,625,194, plus strand): 5'-TCTTTCTCTCATACTTTTATTACCTCTTGAATAATGAGATCTGCTGAACTCTGCATTCTT[C>T]GGCGTTTCACTGGAGATTTTTGTTGTGAATCTACCATGGCCCGGTAGGTCATTGTTTGTA-3'
Protein context (NP_001361665.1, residues 1588-1608): DSQQKSPVKR[Arg1598Gln]RMQSSADLII